The following is an entry in ClinVar:

ClinVar aggregate classification (germline): Uncertain significance. Review status: criteria provided, multiple submitters, no conflicts (2 of 4 stars). 2 submissions from 2 submitters: Uncertain significance (2). Last evaluated 2022-11-01.

Allele frequency attached by ClinVar (database versions not stated): gnomAD exomes below 0.00001; TOPMed below 0.00001.
gnomAD v4.1: 1 of 1,614,082 alleles (0.000062%); highest among the groups gnomAD compares: Admixed American, 0.0017%; no homozygotes.

Submissions (2):

CeGaT Center for Human Genetics Tuebingen
Classification: Uncertain significance. Last evaluated: 2022-11-01. Review status: criteria provided, single submitter. Criteria: CeGaT Center For Human Genetics Tuebingen Variant Classification Criteria Version 2. Collection method: clinical testing. Allele origin: germline. Affected: yes. Observed: 1 variant allele.
Comment: LGI1: PM2

GeneDx
Classification: Uncertain significance. Last evaluated: 2019-12-09. Review status: criteria provided, single submitter. Criteria: GeneDx Variant Classification Process June 2021. Collection method: clinical testing. Allele origin: germline. Affected: yes.
Comment: Not observed in large population cohorts (Lek et al., 2016); In silico analysis, which includes protein predictors and evolutionary conservation, supports that this variant does not alter protein structure/function; Has not been previously published as pathogenic or benign to our knowledge

NM_005097.4(LGI1):c.577G>A (p.Ala193Thr)

Gene: LGI1 (leucine rich glioma inactivated 1; plus strand). Cytogenetic location: 10q23.33.
Variant type: single nucleotide variant.
Coding change: c.577G>A on transcript NM_005097.4 (MANE Select); coding-DNA position 577, G replaced by A.
Protein change: p.Ala193Thr; replaces alanine 193 with threonine.
Molecular consequence: missense variant. On other transcripts: non-coding transcript variant (1).
Genome position (GRCh38, 1-based): chr10:93,792,816, G>A. VCF-style: chr10-93792816-G-A. GRCh37 (hg19) VCF-style: chr10-95552573-G-A.
Other names: c.577G>A, p.Ala193Thr (NM_001308275.2); c.433G>A, p.Ala145Thr (NM_001308276.2); short protein forms A145T, A193T.
Identifiers: ClinVar variation 1310850 (VCV001310850.26), dbSNP rs2059947676, ClinGen allele CA377623428.